The following is an entry in ClinVar:

ClinVar aggregate classification (germline): Uncertain significance. Review status: criteria provided, multiple submitters, no conflicts (2 of 4 stars). 3 submissions from 3 submitters: Uncertain significance (3). Last evaluated 2025-03-15.

Conditions:
Nephrolithiasis/nephrocalcinosis. Identifiers: MedGen CN580796.
Epilepsy, idiopathic generalized, susceptibility to, 8. Identifiers: MedGen C2752062, MONDO:0013032, OMIM 612899.
Autosomal dominant hypocalcemia 1 (HYPOC1). Also called: HYPOCALCEMIA, FAMILIAL. Identifiers: MedGen C3715128, MONDO:0011013, OMIM 601198.
Familial hypocalciuric hypercalcemia 1. Also called: Hypercalcemia, familial benign type 1. Identifiers: Orphanet 405, Orphanet 93372, MedGen C0342637, MONDO:0007791, OMIM 145980.
Neonatal severe primary hyperparathyroidism. Identifiers: Orphanet 417, MedGen C1832615, MONDO:0009397, OMIM 239200.
Familial hypocalciuric hypercalcemia (FHH). Also called: Familial benign hypercalcemia. Identifiers: Orphanet 405, MedGen C1809471, MONDO:0018458.

Allele frequency attached by ClinVar (database versions not stated): gnomAD 0.00001; gnomAD exomes 0.00001; ExAC 0.00002; TOPMed 0.00002.
gnomAD v4.1: 9 of 1,614,058 alleles (0.00056%); highest among the groups gnomAD compares: African/African-American, 0.004%; no homozygotes.

Submissions (3):

Labcorp Genetics (formerly Invitae), Labcorp
Classification: Uncertain significance for Familial hypocalciuric hypercalcemia; Autosomal dominant hypocalcemia 1. Last evaluated: 2025-03-15. Review status: criteria provided, single submitter. Criteria: Invitae Variant Classification Sherloc (09022015). Collection method: clinical testing. Allele origin: germline.
Comment: This sequence change replaces arginine, which is basic and polar, with histidine, which is basic and polar, at codon 205 of the CASR protein (p.Arg205His). This variant is present in population databases (rs763162046, gnomAD 0.007%). This variant has not been reported in the literature in individuals affected with CASR-related conditions. ClinVar contains an entry for this variant (Variation ID: 662519). An algorithm developed to predict the effect of missense changes on protein structure and function (PolyPhen-2) suggests that this variant is likely to be tolerated. In summary, the available evidence is currently insufficient to determine the role of this variant in disease. Therefore, it has been classified as a Variant of Uncertain Significance.

Ambry Genetics
Classification: Uncertain significance for Nephrolithiasis/nephrocalcinosis. Last evaluated: 2024-11-22. Review status: criteria provided, single submitter. Criteria: Ambry Variant Classification Scheme 2023. Collection method: clinical testing. Allele origin: germline.
Comment: The p.R205H variant (also known as c.614G>A), located in coding exon 3 of the CASR gene, results from a G to A substitution at nucleotide position 614. The arginine at codon 205 is replaced by histidine, an amino acid with highly similar properties. This amino acid position is not well conserved in available vertebrate species. In addition, the in silico prediction for this alteration is inconclusive. In addition, the evidence for the gene-disease relationship is limited for pancreatitis and cancer predisposition; therefore, the clinical significance of this variant for CASR-related pancreatitis and cancer predisposition is unclear. Based on the available evidence, the clinical significance of this variant remains unclear.

Fulgent Genetics
Classification: Uncertain significance for Familial hypocalciuric hypercalcemia 1; Neonatal severe primary hyperparathyroidism; Autosomal dominant hypocalcemia 1; Epilepsy, idiopathic generalized, susceptibility to, 8. Last evaluated: 2021-10-15. Review status: criteria provided, single submitter. Criteria: ACMG Guidelines, 2015. Collection method: clinical testing. Allele origin: unknown.

NM_000388.4(CASR):c.614G>A (p.Arg205His)

Gene: CASR (calcium sensing receptor; plus strand). Cytogenetic location: 3q21.1.
Variant type: single nucleotide variant.
Coding change: c.614G>A on transcript NM_000388.4 (MANE Select); coding-DNA position 614, G replaced by A.
Protein change: p.Arg205His; replaces arginine 205 with histidine.
Molecular consequence: missense variant.
Genome position (GRCh38, 1-based): chr3:122,261,649, G>A. VCF-style: chr3-122261649-G-A. GRCh37 (hg19) VCF-style: chr3-121980496-G-A.
Other names: c.614G>A, p.Arg205His (NM_001178065.2); short protein forms R205H.
Identifiers: ClinVar variation 662519 (VCV000662519.13), dbSNP rs763162046, ClinGen allele CA2569515.